The following is an entry in ClinVar:

ClinVar aggregate classification (germline): Conflicting classifications of pathogenicity. Review status: criteria provided, conflicting classifications (1 of 4 stars). 4 submissions from 4 submitters: Uncertain significance (3); Likely benign (1). Last evaluated 2025-10-16.

Conditions:
Inborn genetic diseases. Identifiers: MedGen C0950123, MeSH D030342.
Fibrous dysplasia of jaw (CRBM). Also called: Cherubism. Identifiers: Orphanet 184, MedGen C0008029, MONDO:0007315, OMIM 118400.

Allele frequency attached by ClinVar (database versions not stated): gnomAD 0.00002; gnomAD exomes 0.00002 and 0.00003; ExAC 0.00005.
gnomAD v4.1: 40 of 1,613,096 alleles (0.0025%); highest among the groups gnomAD compares: Middle Eastern, 0.016%; no homozygotes.

Submissions (4):

Labcorp Genetics (formerly Invitae), Labcorp
Classification: Uncertain significance for Fibrous dysplasia of jaw. Last evaluated: 2025-10-16. Review status: criteria provided, single submitter. Criteria: Invitae Variant Classification Sherloc (09022015). Collection method: clinical testing. Allele origin: germline.
Comment: This sequence change replaces arginine, which is basic and polar, with tryptophan, which is neutral and slightly polar, at codon 292 of the SH3BP2 protein (p.Arg292Trp). This variant is present in population databases (rs746025620, gnomAD 0.02%). This variant has not been reported in the literature in individuals affected with SH3BP2-related conditions. ClinVar contains an entry for this variant (Variation ID: 1407391). Invitae Evidence Modeling of protein sequence and biophysical properties (such as structural, functional, and spatial information, amino acid conservation, physicochemical variation, residue mobility, and thermodynamic stability) indicates that this missense variant is not expected to disrupt SH3BP2 protein function with a negative predictive value of 95%. In summary, the available evidence is currently insufficient to determine the role of this variant in disease. Therefore, it has been classified as a Variant of Uncertain Significance.

Ambry Genetics
Classification: Uncertain significance for Inborn genetic diseases. Last evaluated: 2024-09-10. Review status: criteria provided, single submitter. Criteria: Ambry Variant Classification Scheme 2023. Collection method: clinical testing. Allele origin: germline.

Blueprint Genetics
Classification: Likely benign. Last evaluated: 2023-04-26. Review status: criteria provided, single submitter. Criteria: ACMG Guidelines, 2015. Collection method: clinical testing. Allele origin: germline.

Breakthrough Genomics
Classification: Uncertain significance. Review status: criteria provided, single submitter. Criteria: ACMG Guidelines, 2015. Collection method: not provided. Allele origin: germline. Inheritance: Autosomal dominant inheritance. Affected: yes.

NM_001122681.2(SH3BP2):c.874C>T (p.Arg292Trp)

Gene: SH3BP2 (SH3 domain binding protein 2; plus strand). Cytogenetic location: 4p16.3.
Variant type: single nucleotide variant.
Coding change: c.874C>T on transcript NM_001122681.2 (MANE Select); coding-DNA position 874, C replaced by T.
Protein change: p.Arg292Trp; replaces arginine 292 with tryptophan.
Molecular consequence: missense variant.
Genome position (GRCh38, 1-based): chr4:2,829,780, C>T. VCF-style: chr4-2829780-C-T. GRCh37 (hg19) VCF-style: chr4-2831507-C-T.
Other names: c.958C>T, p.Arg320Trp (NM_001145855.2); c.1045C>T, p.Arg349Trp (NM_001145856.2); c.874C>T, p.Arg292Trp (NM_003023.4); short protein forms R292W, R320W, R349W.
Identifiers: ClinVar variation 1407391 (VCV001407391.10), dbSNP rs746025620, ClinGen allele CA2819345.